The following is an entry in ClinVar:

NM_005257.6(GATA6):c.961G>C (p.Gly321Arg)

Gene: GATA6 (GATA binding protein 6; plus strand). Cytogenetic location: 18q11.2.
Variant type: single nucleotide variant.
Coding change: c.961G>C on transcript NM_005257.6 (MANE Select); coding-DNA position 961, G replaced by C.
Protein change: p.Gly321Arg; replaces glycine 321 with arginine.
Molecular consequence: missense variant.
Genome position (GRCh38, 1-based): chr18:22,172,105, G>C. VCF-style: chr18-22172105-G-C. GRCh37 (hg19) VCF-style: chr18-19752066-G-C.
Other names: short protein forms G321R.
Identifiers: ClinVar variation 1000801 (VCV001000801.8), dbSNP rs1291923956, ClinGen allele CA401801496.

ClinVar aggregate classification (germline): Uncertain significance (1 of 4 stars; one submission).

Conditions:
Atrioventricular septal defect 5 (AVSD5). Identifiers: MedGen C3280939, MONDO:0013769, OMIM 614474.

Allele frequency attached by ClinVar (database versions not stated): gnomAD 0.00001; TOPMed 0.00001.
gnomAD v4.1: 24 of 1,492,304 alleles (0.0016%); highest among the groups gnomAD compares: East Asian, 0.0025%; no homozygotes.

Submission:

Labcorp Genetics (formerly Invitae), Labcorp
Classification: Uncertain significance for Atrioventricular septal defect 5. Last evaluated: 2025-10-19. Review status: criteria provided, single submitter. Criteria: Invitae Variant Classification Sherloc (09022015). Collection method: clinical testing. Allele origin: germline.
Comment: This sequence change replaces glycine, which is neutral and non-polar, with arginine, which is basic and polar, at codon 321 of the GATA6 protein (p.Gly321Arg). This variant is present in population databases (no rsID available, gnomAD 0.07%). This missense change has been observed in individual(s) with type 1 diabetes (PMID: 31264968). ClinVar contains an entry for this variant (Variation ID: 1000801). Invitae Evidence Modeling of protein sequence and biophysical properties (such as structural, functional, and spatial information, amino acid conservation, physicochemical variation, residue mobility, and thermodynamic stability) indicates that this missense variant is expected to disrupt GATA6 protein function with a positive predictive value of 80%. In summary, the available evidence is currently insufficient to determine the role of this variant in disease. Therefore, it has been classified as a Variant of Uncertain Significance.

Literature cited by the submitters: PubMed 31264968.